The following is an entry in ClinVar:

NM_024596.5(MCPH1):c.1486del (p.Ser496fs)

Gene: MCPH1 (microcephalin 1; plus strand). Cytogenetic location: 8p23.1.
Variant type: Deletion.
Coding change: c.1486del on transcript NM_024596.5 (MANE Select); coding-DNA position 1486, one base deleted (T; older notation c.1486delT).
Protein change: p.Ser496fs; shifts the reading frame from serine 496.
Molecular consequence: frameshift variant. On other transcripts: non-coding transcript variant (1).
Genome position (GRCh38, 1-based): chr8:6,445,208, T deleted; the last of 2 consecutive T bases (chr8:6,445,207-6,445,208); deleting either gives the same sequence. VCF-style (leftmost placement, unchanged base first): chr8-6445206-CT-C. GRCh37 (hg19) VCF-style: chr8-6302727-CT-C.
Other names: c.1486del, p.Ser496fs (NM_001172574.2, NM_001322042.2, NM_001363979.1 and 1 more transcripts); c.1342del, p.Ser448fs (NM_001172575.2); c.1480del, p.Ser494fs (NM_001322043.2); c.1384del, p.Ser462fs (NM_001322045.2); c.1486delT, p.Ser496Argfs (NM_001410916.1, NM_001410917.1); short protein forms S448fs, S462fs, S494fs, S496fs.
Identifiers: ClinVar variation 1904011 (VCV001904011.3), dbSNP rs1387473165, ClinGen allele CA854239579.

ClinVar aggregate classification (germline): Uncertain significance (1 of 4 stars; one submission).

Submission:

Labcorp Genetics (formerly Invitae), Labcorp
Classification: Uncertain significance. Last evaluated: 2022-10-07. Review status: criteria provided, single submitter. Criteria: Invitae Variant Classification Sherloc (09022015). Collection method: clinical testing. Allele origin: germline.
Comment: In summary, the available evidence is currently insufficient to determine the role of this variant in disease. Therefore, it has been classified as a Variant of Uncertain Significance. This variant has not been reported in the literature in individuals affected with MCPH1-related conditions. This variant is not present in population databases (gnomAD no frequency). This sequence change creates a premature translational stop signal (p.Ser496Argfs*4) in the MCPH1 gene. However, it is currently unclear if variants that occur in this region of the gene cause disease.